The following is an entry in ClinVar:

NM_001036.6(RYR3):c.8117G>T (p.Ser2706Ile)

Gene: RYR3 (ryanodine receptor 3; plus strand). Cytogenetic location: 15q14.
Variant type: single nucleotide variant.
Coding change: c.8117G>T on transcript NM_001036.6 (MANE Select); coding-DNA position 8117, G replaced by T.
Protein change: p.Ser2706Ile; replaces serine 2706 with isoleucine.
Molecular consequence: missense variant.
Genome position (GRCh38, 1-based): chr15:33,748,241, G>T. VCF-style: chr15-33748241-G-T. GRCh37 (hg19) VCF-style: chr15-34040442-G-T.
Other names: c.8117G>T, p.Ser2706Ile (NM_001243996.4); short protein forms S2706I.
Identifiers: ClinVar variation 461964 (VCV000461964.13), dbSNP rs201561672, ClinGen allele CA7460088.

ClinVar aggregate classification (germline): Benign. Review status: criteria provided, single submitter (1 of 4 stars). 2 submissions from 2 submitters: Benign (1). 1 of the submissions does not count toward it. Last evaluated 2026-01-15.

Conditions:
RYR3-related disorder. Also called: RYR3-related condition.
Epileptic encephalopathy. Identifiers: MedGen C0543888, HP:0200134.

Allele frequency attached by ClinVar (database versions not stated): gnomAD exomes 0.00025 and 0.00116; gnomAD 0.00030 and 0.00033; ExAC 0.00089; 1000 Genomes Project 0.00040; 1000 Genomes Project 30x 0.00047; TOPMed 0.00058.
gnomAD v4.1: 409 of 1,613,882 alleles (0.025%); highest among the groups gnomAD compares: Admixed American, 0.6%; 3 homozygotes.

Submissions (2):

Labcorp Genetics (formerly Invitae), Labcorp
Classification: Benign for Epileptic encephalopathy. Last evaluated: 2026-01-15. Review status: criteria provided, single submitter. Criteria: Invitae Variant Classification Sherloc (09022015). Collection method: clinical testing. Allele origin: germline.

PreventionGenetics, part of Exact Sciences
Classification: Benign for RYR3-related condition. Last evaluated: 2020-07-13. Review status: no assertion criteria provided. Collection method: clinical testing. Allele origin: germline. Not counted in ClinVar's aggregate classification.
Comment: This variant is classified as benign based on ACMG/AMP sequence variant interpretation guidelines (Richards et al. 2015 PMID: 25741868, with internal and published modifications).